The following is an entry in ClinVar:

NM_001378454.1(ALMS1):c.4789G>A (p.Val1597Ile)

Gene: ALMS1 (ALMS1 centrosome and basal body associated protein; plus strand). Cytogenetic location: 2p13.1.
Variant type: single nucleotide variant.
Coding change: c.4789G>A on transcript NM_001378454.1 (MANE Select); coding-DNA position 4789, G replaced by A.
Protein change: p.Val1597Ile; replaces valine 1597 with isoleucine.
Molecular consequence: missense variant.
Genome position (GRCh38, 1-based): chr2:73,451,316, G>A. VCF-style: chr2-73451316-G-A. GRCh37 (hg19) VCF-style: chr2-73678443-G-A.
Other names: c.4792G>A, p.Val1598Ile (NM_015120.4); short protein forms V1597I, V1598I.
Identifiers: ClinVar variation 977707 (VCV000977707.7), dbSNP rs759914299, ClinGen allele CA1713766.

ClinVar aggregate classification (germline): Uncertain significance. Review status: criteria provided, multiple submitters, no conflicts (2 of 4 stars). 3 submissions from 3 submitters: Uncertain significance (2). 1 of the submissions does not count toward it. Last evaluated 2022-10-17.

Conditions:
Alstrom syndrome (ALMS). Identifiers: Orphanet 64, MedGen C0268425, MONDO:0008763, OMIM 203800.

Allele frequency attached by ClinVar (database versions not stated): gnomAD exomes below 0.00001 and 0.00001; TOPMed below 0.00001; ExAC 0.00001; gnomAD 0.00001.
gnomAD v4.1: 10 of 1,613,970 alleles (0.00062%); highest among the groups gnomAD compares: Non-Finnish European, 0.00017%; no homozygotes.

Submissions (3):

Labcorp Genetics (formerly Invitae), Labcorp
Classification: Uncertain significance for Alstrom syndrome. Last evaluated: 2022-10-17. Review status: criteria provided, single submitter. Criteria: Invitae Variant Classification Sherloc (09022015). Collection method: clinical testing. Allele origin: germline.
Comment: This sequence change replaces valine, which is neutral and non-polar, with isoleucine, which is neutral and non-polar, at codon 1598 of the ALMS1 protein (p.Val1598Ile). This variant is present in population databases (rs759914299, gnomAD 0.01%). This variant has not been reported in the literature in individuals affected with ALMS1-related conditions. ClinVar contains an entry for this variant (Variation ID: 977707). Experimental studies and prediction algorithms are not available or were not evaluated, and the functional significance of this variant is currently unknown. In summary, the available evidence is currently insufficient to determine the role of this variant in disease. Therefore, it has been classified as a Variant of Uncertain Significance.

Women's Health and Genetics/Laboratory Corporation of America, LabCorp
Classification: Uncertain significance. Last evaluated: 2020-08-17. Review status: criteria provided, single submitter. Criteria: LabCorp Variant Classification Summary - May 2015. Collection method: clinical testing. Allele origin: germline.
Comment: Variant summary: ALMS1 c.4786G>A (p.Val1596Ile) results in a conservative amino acid change in the encoded protein sequence. Five of five in-silico tools predict a benign effect of the variant on protein function. The variant allele was found at a frequency of 8e-06 in 248578 control chromosomes. The available data on variant occurrences in the general population are insufficient to allow any conclusion about variant significance. To our knowledge, no occurrence of c.4786G>A in individuals affected with Alstrom Syndrome With Dilated Cardiomyopathy and no experimental evidence demonstrating its impact on protein function have been reported. No clinical diagnostic laboratories have submitted clinical-significance assessments for this variant to ClinVar after 2014. Based on the evidence outlined above, the variant was classified as uncertain significance.

Natera, Inc.
Classification: Uncertain significance for Alstrom syndrome. Last evaluated: 2020-09-01. Review status: no assertion criteria provided. Collection method: clinical testing. Allele origin: germline. Not counted in ClinVar's aggregate classification.